The following is an entry in ClinVar:

NM_000489.6(ATRX):c.4073C>T (p.Thr1358Ile)

Gene: ATRX (ATRX chromatin remodeler; minus strand). Cytogenetic location: Xq21.1.
Variant type: single nucleotide variant.
Coding change: c.4073C>T on transcript NM_000489.6 (MANE Select); coding-DNA position 4073, C replaced by T.
Protein change: p.Thr1358Ile; replaces threonine 1358 with isoleucine.
Molecular consequence: missense variant.
Genome position (GRCh38, 1-based): chrX:77,663,429, G>A on the plus strand (C>T on the coding strand, the complement: ATRX is on the minus strand). VCF-style: chrX-77663429-G-A. GRCh37 (hg19) VCF-style: chrX-76918918-G-A.
Other names: c.4073C>T (NM_000489.4); c.3959C>T, p.Thr1320Ile (NM_138270.5); short protein forms T1358I, T1320I.
Identifiers: ClinVar variation 587770 (VCV000587770.11), dbSNP rs1557124033, ClinGen allele CA413699501.

ClinVar aggregate classification (germline): Conflicting classifications of pathogenicity. Review status: criteria provided, conflicting classifications (1 of 4 stars). 3 submissions from 3 submitters: Uncertain significance (2); Likely benign (1). Last evaluated 2025-03-06.

Conditions:
ATRX-related disorder. Also called: ATRX-related condition.
Inborn genetic diseases. Identifiers: MedGen C0950123, MeSH D030342.
Alpha thalassemia-X-linked intellectual disability syndrome (ATRX). Also called: ALPHA-THALASSEMIA/IMPAIRED INTELLECTUAL DEVELOPMENT SYNDROME, X-LINKED; ALPHA-THALASSEMIA/MENTAL RETARDATION SYNDROME, X-LINKED; ATR, NONDELETION TYPE; X-linked alpha-thalassemia-mental retardation syndrome; ATR-X syndrome; Alpha thalassemia mental retardation syndrome, nondeletion type, X-linked. Identifiers: Orphanet 847, MedGen C1845055, MONDO:0010519, OMIM 301040.

Allele frequency attached by ClinVar (database versions not stated): gnomAD exomes 0.00001 and below 0.00001; TOPMed 0.00001.
gnomAD v4.1: 2 of 1,211,395 alleles (0.00017%); highest among the groups gnomAD compares: Admixed American, 0.0022%; no homozygotes.

Submissions (3):

PreventionGenetics, part of Exact Sciences
Classification: Uncertain significance for ATRX-related condition. Last evaluated: 2025-03-06. Review status: criteria provided, single submitter. Criteria: ACMG Guidelines, 2015. Collection method: clinical testing. Allele origin: germline.
Comment: The ATRX c.4073C>T variant is predicted to result in the amino acid substitution p.Thr1358Ile. To our knowledge, this variant has not been reported in the literature. This variant is reported in 0.0036% of alleles in individuals of Latino descent in gnomAD. At this time, the clinical significance of this variant is uncertain due to the absence of conclusive functional and genetic evidence.

Labcorp Genetics (formerly Invitae), Labcorp
Classification: Likely benign for Alpha thalassemia-X-linked intellectual disability syndrome. Last evaluated: 2023-12-03. Review status: criteria provided, single submitter. Criteria: Invitae Variant Classification Sherloc (09022015). Collection method: clinical testing. Allele origin: germline.

Ambry Genetics
Classification: Uncertain significance for Inborn genetic diseases. Last evaluated: 2019-08-26. Review status: criteria provided, single submitter. Criteria: Ambry Variant Classification Scheme 2023. Collection method: clinical testing. Allele origin: germline.
Comment: The p.T1358I variant (also known as c.4073C>T), located in coding exon 12 of the ATRX gene, results from a C to T substitution at nucleotide position 4073. The threonine at codon 1358 is replaced by isoleucine, an amino acid with similar properties. This amino acid position is not well conserved in available vertebrate species. In addition, this alteration is predicted to be tolerated by in silico analysis. Since supporting evidence is limited at this time, the clinical significance of this alteration remains unclear.